The following is an entry in ClinVar:

NM_001080.3(ALDH5A1):c.718C>G (p.Leu240Val)

Gene: ALDH5A1 (aldehyde dehydrogenase 5 family member A1; plus strand). Cytogenetic location: 6p22.3.
Variant type: single nucleotide variant.
Coding change: c.718C>G on transcript NM_001080.3 (MANE Select); coding-DNA position 718, C replaced by G.
Protein change: p.Leu240Val; replaces leucine 240 with valine.
Molecular consequence: missense variant.
Genome position (GRCh38, 1-based): chr6:24,504,977, C>G. VCF-style: chr6-24504977-C-G. GRCh37 (hg19) VCF-style: chr6-24505205-C-G.
Other names: c.718C>G, p.Leu240Val (NM_001368954.1, NM_170740.1); short protein forms L240V.
Identifiers: ClinVar variation 964599 (VCV000964599.9), dbSNP rs1759310167, ClinGen allele CA362970193.

ClinVar aggregate classification (germline): Uncertain significance (1 of 4 stars; one submission).

Conditions:
Succinate-semialdehyde dehydrogenase deficiency (SSADHD). Also called: Succinic Semialdehyde Dehydrogenase Deficiency; GABA METABOLIC DEFECT; 4-HYDROXYBUTYRIC ACIDURIA; SSADH DEFICIENCY. Identifiers: Orphanet 22, MedGen C0268631, MONDO:0010083, OMIM 271980.

Submission:

Labcorp Genetics (formerly Invitae), Labcorp
Classification: Uncertain significance for Succinate-semialdehyde dehydrogenase deficiency. Last evaluated: 2019-09-11. Review status: criteria provided, single submitter. Criteria: Invitae Variant Classification Sherloc (09022015). Collection method: clinical testing. Allele origin: germline.
Comment: In summary, the available evidence is currently insufficient to determine the role of this variant in disease. Therefore, it has been classified as a Variant of Uncertain Significance. Algorithms developed to predict the effect of missense changes on protein structure and function are either unavailable or do not agree on the potential impact of this missense change (SIFT: "Tolerated"; PolyPhen-2: "Possibly Damaging"; Align-GVGD: "Class C0"). This variant has not been reported in the literature in individuals with ALDH5A1-related conditions. This variant is not present in population databases (ExAC no frequency). This sequence change replaces leucine with valine at codon 240 of the ALDH5A1 protein (p.Leu240Val). The leucine residue is moderately conserved and there is a small physicochemical difference between leucine and valine.